The following is an entry in ClinVar:

ClinVar aggregate classification (germline): Uncertain significance (1 of 4 stars; one submission).

Conditions:
Acromesomelic dysplasia 3 (AMD3). Also called: CHONDRODYSPLASIA, ACROMESOMELIC, WITH OR WITHOUT GENITAL ANOMALIES; Acromesomelic dysplasia, Demirhan type. Identifiers: MedGen C4225404, MONDO:0012274, OMIM 609441.
Type A2 brachydactyly (BDA2). Also called: BRACHYMESOPHALANGY II; MOHR-WRIEDT TYPE BRACHYDACTYLY; Brachymesophalangy type 2. Identifiers: Orphanet 93396, MedGen C1832702, MONDO:0007216, OMIM 112600, HP:0009372.

gnomAD v4.1: 1 of 1,613,882 alleles (0.000062%); highest among the groups gnomAD compares: East Asian, 0.0022%; no homozygotes.

Submission:

Labcorp Genetics (formerly Invitae), Labcorp
Classification: Uncertain significance for Type A2 brachydactyly; Acromesomelic dysplasia 3. Last evaluated: 2024-08-31. Review status: criteria provided, single submitter. Criteria: Invitae Variant Classification Sherloc (09022015). Collection method: clinical testing. Allele origin: germline.
Comment: This sequence change replaces aspartic acid, which is acidic and polar, with glutamic acid, which is acidic and polar, at codon 280 of the BMPR1B protein (p.Asp280Glu). This variant is present in population databases (no rsID available, gnomAD 0.006%). This variant has not been reported in the literature in individuals affected with BMPR1B-related conditions. Invitae Evidence Modeling of protein sequence and biophysical properties (such as structural, functional, and spatial information, amino acid conservation, physicochemical variation, residue mobility, and thermodynamic stability) indicates that this missense variant is not expected to disrupt BMPR1B protein function with a negative predictive value of 80%. In summary, the available evidence is currently insufficient to determine the role of this variant in disease. Therefore, it has been classified as a Variant of Uncertain Significance.

NM_001203.3(BMPR1B):c.840C>G (p.Asp280Glu)

Gene: BMPR1B (bone morphogenetic protein receptor type 1B; plus strand). Cytogenetic location: 4q22.3.
Variant type: single nucleotide variant.
Coding change: c.840C>G on transcript NM_001203.3 (MANE Select); coding-DNA position 840, C replaced by G.
Protein change: p.Asp280Glu; replaces aspartic acid 280 with glutamic acid.
Molecular consequence: missense variant.
Genome position (GRCh38, 1-based): chr4:95,131,276, C>G. VCF-style: chr4-95131276-C-G. GRCh37 (hg19) VCF-style: chr4-96052427-C-G.
Other names: c.840C>G, p.Asp280Glu (NM_001256792.2, NM_001256794.1); c.930C>G, p.Asp310Glu (NM_001256793.2); short protein forms D280E, D310E.
Identifiers: ClinVar variation 3752429 (VCV003752429.2).